The following is an entry in ClinVar:

ClinVar aggregate classification (germline): Uncertain significance. Review status: criteria provided, multiple submitters, no conflicts (2 of 4 stars). 4 submissions from 4 submitters: Uncertain significance (4). Last evaluated 2024-10-19.

Conditions:
Inborn genetic diseases. Identifiers: MedGen C0950123, MeSH D030342.
Cataract 22 multiple types. Also called: CATARACT 22, NUCLEAR, AUTOSOMAL RECESSIVE; Cataract 22; CATARACT 22, MULTIPLE TYPES, AUTOSOMAL DOMINANT. Identifiers: Orphanet 91492, MedGen C1857853, MONDO:0012336, OMIM 609741.

Allele frequency attached by ClinVar (database versions not stated): TOPMed 0.00012.
gnomAD v4.1: 116 of 1,614,186 alleles (0.0072%); highest among the groups gnomAD compares: Middle Eastern, 0.2%; no homozygotes.

Submissions (4):

Ambry Genetics
Classification: Uncertain significance for Inborn genetic diseases. Last evaluated: 2024-10-19. Review status: criteria provided, single submitter. Criteria: Ambry Variant Classification Scheme 2023. Collection method: clinical testing. Allele origin: germline.

Labcorp Genetics (formerly Invitae), Labcorp
Classification: Uncertain significance for Cataract 22 multiple types. Last evaluated: 2024-02-14. Review status: criteria provided, single submitter. Criteria: Invitae Variant Classification Sherloc (09022015). Collection method: clinical testing. Allele origin: germline.
Comment: This sequence change replaces arginine, which is basic and polar, with leucine, which is neutral and non-polar, at codon 75 of the CRYBB3 protein (p.Arg75Leu). This variant is present in population databases (rs183587921, gnomAD 0.03%). This variant has not been reported in the literature in individuals affected with CRYBB3-related conditions. ClinVar contains an entry for this variant (Variation ID: 903286). An algorithm developed to predict the effect of missense changes on protein structure and function (PolyPhen-2) suggests that this variant is likely to be tolerated. In summary, the available evidence is currently insufficient to determine the role of this variant in disease. Therefore, it has been classified as a Variant of Uncertain Significance.

Illumina Laboratory Services, Illumina
Classification: Uncertain significance for Cataract 22 multiple types. Last evaluated: 2017-04-27. Review status: criteria provided, single submitter. Criteria: ICSL Variant Classification Criteria 13 December 2019. Collection method: clinical testing. Allele origin: germline.

Breakthrough Genomics
Classification: Uncertain significance. Review status: criteria provided, single submitter. Criteria: ACMG Guidelines, 2015. Collection method: not provided. Allele origin: germline. Inheritance: Autosomal dominant inheritance. Affected: yes.

NM_004076.5(CRYBB3):c.224G>T (p.Arg75Leu)

Gene: CRYBB3 (crystallin beta B3; plus strand). Cytogenetic location: 22q11.23.
Variant type: single nucleotide variant.
Coding change: c.224G>T on transcript NM_004076.5 (MANE Select); coding-DNA position 224, G replaced by T.
Protein change: p.Arg75Leu; replaces arginine 75 with leucine.
Molecular consequence: missense variant.
Genome position (GRCh38, 1-based): chr22:25,203,792, G>T. VCF-style: chr22-25203792-G-T. GRCh37 (hg19) VCF-style: chr22-25599759-G-T.
Other names: c.224G>T (NM_004076.3); short protein forms R75L.
Identifiers: ClinVar variation 903286 (VCV000903286.9), dbSNP rs183587921, ClinGen allele CA10157716.
Genomic context (GRCh38, chr22:25,203,792, plus strand): 5'-GGTGACCCAGCCAAGCCTCTTCCTCCCTCAGGTGGCTGGCATTTGAGTCCAGGGCCTTCC[G>T]CGGGGAGCAGTTTGTTCTGGAGAAGGGGGATTATCCTCGCTGGGATGCCTGGTCCAACAG-3'
Protein context (NP_004067.1, residues 65-85): PWLAFESRAF[Arg75Leu]GEQFVLEKGD